The following is an entry in ClinVar:

ClinVar aggregate classification (germline): Uncertain significance (1 of 4 stars; one submission).

Conditions:
Joubert syndrome 15 (JBTS15). Identifiers: Orphanet 475, MedGen C3280897, MONDO:0013763, OMIM 614464.

Submission:

Labcorp Genetics (formerly Invitae), Labcorp
Classification: Uncertain significance for Joubert syndrome 15. Last evaluated: 2022-08-06. Review status: criteria provided, single submitter. Criteria: Invitae Variant Classification Sherloc (09022015). Collection method: clinical testing. Allele origin: germline.
Comment: This variant has not been reported in the literature in individuals affected with CEP41-related conditions. This variant is not present in population databases (gnomAD no frequency). This sequence change replaces aspartic acid, which is acidic and polar, with glycine, which is neutral and non-polar, at codon 100 of the CEP41 protein (p.Asp100Gly). Algorithms developed to predict the effect of missense changes on protein structure and function are either unavailable or do not agree on the potential impact of this missense change (SIFT: "Deleterious"; PolyPhen-2: "Benign"; Align-GVGD: "Class C15"). In summary, the available evidence is currently insufficient to determine the role of this variant in disease. Therefore, it has been classified as a Variant of Uncertain Significance.

NM_018718.3(CEP41):c.299A>G (p.Asp100Gly)

Gene: CEP41 (centrosomal protein 41; minus strand). Cytogenetic location: 7q32.2.
Variant type: single nucleotide variant.
Coding change: c.299A>G on transcript NM_018718.3 (MANE Select); coding-DNA position 299, A replaced by G.
Protein change: p.Asp100Gly; replaces aspartic acid 100 with glycine.
Molecular consequence: missense variant. On other transcripts: non-coding transcript variant (1).
Genome position (GRCh38, 1-based): chr7:130,404,687, T>C on the plus strand (A>G on the coding strand, the complement: CEP41 is on the minus strand). VCF-style: chr7-130404687-T-C. GRCh37 (hg19) VCF-style: chr7-130044528-T-C.
Other names: c.299A>G, p.Asp100Gly (NM_001257158.2); c.251A>G, p.Asp84Gly (NM_001257159.2); short protein forms D100G, D84G.
Identifiers: ClinVar variation 1715370 (VCV001715370.5), dbSNP rs2536067704, ClinGen allele CA369289416.